The following is an entry in ClinVar:

NM_001164508.2(NEB):c.17832C>T (p.Asp5944=)

Gene: NEB (nebulin; minus strand). Cytogenetic location: 2q23.3.
Variant type: single nucleotide variant.
Coding change: c.17832C>T on transcript NM_001164508.2 (MANE Select); coding-DNA position 17832, C replaced by T.
Protein change: p.Asp5944=; no amino-acid change (aspartic acid 5944 retained).
Molecular consequence: synonymous variant.
Genome position (GRCh38, 1-based): chr2:151,568,083, G>A on the plus strand (C>T on the coding strand, the complement: NEB is on the minus strand). VCF-style: chr2-151568083-G-A. GRCh37 (hg19) VCF-style: chr2-152424597-G-A.
Other names: c.17832C>T, p.Asp5944= (NM_001164507.2, NM_001271208.2); c.12729C>T, p.Asp4243= (NM_004543.5).
Identifiers: ClinVar variation 767127 (VCV000767127.15), dbSNP rs544453966, ClinGen allele CA1908098.

ClinVar aggregate classification (germline): Likely benign. Review status: criteria provided, multiple submitters, no conflicts (2 of 4 stars). 4 submissions from 4 submitters: Likely benign (3). 1 of the submissions does not count toward it. Last evaluated 2025-12-29.

Conditions:
Nemaline myopathy 2 (NEM2). Also called: Nemaline myopathy 2, autosomal recessive. Identifiers: MedGen C1850569, MONDO:0009725, OMIM 256030.
NEB-related disorder. Also called: NEB-related condition; NEB-Related Disorders.

Allele frequency attached by ClinVar (database versions not stated): gnomAD 0.00005 and 0.00009; gnomAD exomes 0.00006 and 0.00008; TOPMed 0.00006; ExAC 0.00007; 1000 Genomes Project 30x 0.00031; 1000 Genomes Project 0.00040.
gnomAD v4.1: 105 of 1,613,124 alleles (0.0065%); highest among the groups gnomAD compares: East Asian, 0.04%; no homozygotes.

Submissions (4):

Labcorp Genetics (formerly Invitae), Labcorp
Classification: Likely benign for Nemaline myopathy 2. Last evaluated: 2025-12-29. Review status: criteria provided, single submitter. Criteria: Invitae Variant Classification Sherloc (09022015). Collection method: clinical testing. Allele origin: germline.

PreventionGenetics, part of Exact Sciences
Classification: Likely benign for NEB-related condition. Last evaluated: 2025-04-23. Review status: criteria provided, single submitter. Criteria: ACMG Guidelines, 2015. Collection method: clinical testing. Allele origin: germline.
Comment: This variant is classified as likely benign based on ACMG/AMP sequence variant interpretation guidelines (Richards et al. 2015 PMID: 25741868, with internal and published modifications).

Blueprint Genetics
Classification: Likely benign. Last evaluated: 2024-04-09. Review status: criteria provided, single submitter. Criteria: ACMG Guidelines, 2015. Collection method: clinical testing. Allele origin: germline.

Natera, Inc.
Classification: Likely benign for Nemaline myopathy type 2. Last evaluated: 2020-04-28. Review status: no assertion criteria provided. Collection method: clinical testing. Allele origin: germline. Not counted in ClinVar's aggregate classification.